The following is an entry in ClinVar:

ClinVar aggregate classification (germline): Uncertain significance (1 of 4 stars; one submission).

Conditions:
Cardiovascular phenotype. Identifiers: MedGen CN230736.

Submission:

Ambry Genetics
Classification: Uncertain significance for Cardiovascular phenotype. Last evaluated: 2023-06-13. Review status: criteria provided, single submitter. Criteria: Ambry Variant Classification Scheme 2023. Collection method: clinical testing. Allele origin: germline.
Comment: The p.S4403G variant (also known as c.13207A>G), located in coding exon 90 of the RYR2 gene, results from an A to G substitution at nucleotide position 13207. The serine at codon 4403 is replaced by glycine, an amino acid with similar properties. This amino acid position is not well conserved in available vertebrate species. In addition, this alteration is predicted to be tolerated by in silico analysis. Since supporting evidence is limited at this time, the clinical significance of this alteration remains unclear.

NM_001035.3(RYR2):c.13207A>G (p.Ser4403Gly)

Genes: RYR2 (ryanodine receptor 2; plus strand), LOC126806068 (BRD4-independent group 4 enhancer GRCh37_chr1:237947411-237948610; plus strand). Cytogenetic location: 1q43.
Variant type: single nucleotide variant.
Coding change: c.13207A>G on transcript NM_001035.3 (MANE Select); coding-DNA position 13207, A replaced by G.
Protein change: p.Ser4403Gly; replaces serine 4403 with glycine.
Molecular consequence: missense variant.
Genome position (GRCh38, 1-based): chr1:237,784,919, A>G. VCF-style: chr1-237784919-A-G. GRCh37 (hg19) VCF-style: chr1-237948219-A-G.
Other names: short protein forms S4403G.
Identifiers: ClinVar variation 1769886 (VCV001769886.3), dbSNP rs2527801310, ClinGen allele CA345415579.